The following is an entry in ClinVar:

NM_000143.4(FH):c.555+1_555+9del

Gene: FH (fumarate hydratase; minus strand). Cytogenetic location: 1q43.
Variant type: Deletion.
Coding change: c.555+1_555+9del on transcript NM_000143.4 (MANE Select); the canonical splice donor site of the intron after coding-DNA position 555 through 9 bases into the intron after coding-DNA position 555, 9 bases deleted (GTCAGTATG; older notation c.555+1_555+9delGTCAGTATG).
Molecular consequence: splice donor variant.
Genome position (GRCh38, 1-based): chr1:241,511,958-241,511,966, CATACTGAC deleted on the plus strand (GTCAGTATG on the coding strand, the reverse complement: FH is on the minus strand); deleting any 9 consecutive bases within chr1:241,511,958-241,511,967 gives the same sequence; the c. name uses the placement nearest the transcript's 3' end. VCF-style (leftmost placement, unchanged base first): chr1-241511957-ACATACTGAC-A. GRCh37 (hg19) VCF-style: chr1-241675257-ACATACTGAC-A.
Identifiers: ClinVar variation 1748239 (VCV001748239.3), dbSNP rs2527332379, ClinGen allele CA2580063429.

ClinVar aggregate classification (germline): Pathogenic (1 of 4 stars; one submission).

Conditions:
Hereditary cancer-predisposing syndrome. Also called: Tumor predisposition; Hereditary Cancer Syndrome; Hereditary neoplastic syndrome; Neoplastic Syndromes, Hereditary. Identifiers: Orphanet 140162, MedGen C0027672, MeSH D009386, MONDO:0015356.

Submission:

Ambry Genetics
Classification: Pathogenic for Hereditary cancer-predisposing syndrome. Last evaluated: 2026-02-04. Review status: criteria provided, single submitter. Criteria: Ambry Variant Classification Scheme 2023. Collection method: clinical testing. Allele origin: germline.
Comment: The c.555+1_555+9delGTCAGTATG intronic pathogenic mutation, located in intron 4 of the FH gene, results from a deletion of 9 nucleotides within intron 4 of the FH gene. This nucleotide region is well conserved in available vertebrate species. In silico splice site analysis predicts that this alteration will weaken the native splice donor site and may result in the creation or strengthening of a novel splice acceptor site. This variant is considered to be rare based on population cohorts in the Genome Aggregation Database (gnomAD). Variants that disrupt the canonical splice site are expected to cause aberrant splicing, resulting in an abnormal protein or a transcript that is subject to nonsense-mediated mRNA decay. As such, this variant is classified as a disease-causing mutation.